The following is an entry in ClinVar:

NM_001355436.2(SPTB):c.4973+26G>A

Gene: SPTB (spectrin beta, erythrocytic; minus strand). Cytogenetic location: 14q23.3.
Variant type: single nucleotide variant.
Coding change: c.4973+26G>A on transcript NM_001355436.2 (MANE Select); 26 bases into the intron after coding-DNA position 4973, G replaced by A.
Molecular consequence: intron variant.
Genome position (GRCh38, 1-based): chr14:64,774,371, C>T on the plus strand (G>A on the coding strand, the complement: SPTB is on the minus strand). VCF-style: chr14-64774371-C-T. GRCh37 (hg19) VCF-style: chr14-65241089-C-T.
Other names: p.?; c.4973+26G>A (NM_001024858.4, NM_001355437.2).
Identifiers: ClinVar variation 4683877 (VCV004683877.1).
Genomic context (GRCh38, chr14:64,774,371, plus strand): 5'-CCTTTTAAATCTGAAGGGACGTTGGCTGGTGGGCCCCTGGCTCAATCCCCATCTCCTGAC[C>T]GAGTCACCACAGGGGGCGCACGCACCCCTCAGGGTGGCCTGCAGACAGCAGGCCCTGGGC-3'

ClinVar aggregate classification (germline): Likely benign (1 of 4 stars; one submission).

gnomAD v4.1: 2,246 of 1,577,894 alleles (0.14%); highest among the groups gnomAD compares: African/African-American, 2.6%; 30 homozygotes.

Submission:

Mayo Clinic Laboratories, Mayo Clinic
Classification: Likely benign. Last evaluated: 2025-12-17. Review status: criteria provided, single submitter. Criteria: ACMG Guidelines, 2015. Collection method: clinical testing. Allele origin: germline. Observed: 28 variant alleles.
Comment: BS2, BP4, BP7